The following is an entry in ClinVar:

NM_002907.4(RECQL):c.735C>T (p.Phe245=)

Gene: RECQL (RecQ like helicase; minus strand). Cytogenetic location: 12p12.1.
Variant type: single nucleotide variant.
Coding change: c.735C>T on transcript NM_002907.4 (MANE Select); coding-DNA position 735, C replaced by T.
Protein change: p.Phe245=; no amino-acid change (phenylalanine 245 retained).
Molecular consequence: synonymous variant.
Genome position (GRCh38, 1-based): chr12:21,477,935, G>A on the plus strand (C>T on the coding strand, the complement: RECQL is on the minus strand). VCF-style: chr12-21477935-G-A. GRCh37 (hg19) VCF-style: chr12-21630869-G-A.
Other names: c.735C>T, p.Phe245= (NM_032941.3).
Identifiers: ClinVar variation 1670659 (VCV001670659.14), dbSNP rs948132339, ClinGen allele CA233571162.
Genomic context (GRCh38, chr12:21,477,935, plus strand): 5'-AGCATCCGTCAAAACGTGATTTGTTGCAGTTGCAGTCAGCCCAATTAGTGATGCGTTAGG[G>A]AACTGCCGCTTTAAGATACCAAGTGCCTTATAATCTGAAAAAACAAACAAAGTGGCCCTT-3'
Protein context (NP_002898.2, residues 235-255): YKALGILKRQ[Phe245=]PNASLIGLTA

ClinVar aggregate classification (germline): Conflicting classifications of pathogenicity. Review status: criteria provided, conflicting classifications (1 of 4 stars). 5 submissions from 5 submitters: Uncertain significance (1); Likely benign (3). 1 of the submissions does not count toward it. Last evaluated 2025-11-07.

Conditions:
RECQL-related disorder. Also called: RECQL-related condition.

Allele frequency attached by ClinVar (database versions not stated): gnomAD exomes 0.00001; gnomAD 0.00002; TOPMed 0.00003.

Submissions (5):

Quest Diagnostics Nichols Institute San Juan Capistrano
Classification: Uncertain significance. Last evaluated: 2025-11-07. Review status: criteria provided, single submitter. Criteria: Quest Diagnostics criteria. Collection method: clinical testing. Allele origin: unknown.
Comment: The RECQL c.735C>T (p.Phe245=) synonymous variant has not been reported in individuals with RECQL-related conditions in the published literature. The frequency of this variant in the general population (Genome Aggregation Database) is uninformative in the assessment of its pathogenicity. Analysis of this variant using software algorithms for the prediction of the effect of nucleotide changes on splicing yielded predictions that this variant does not affect RECQL mRNA splicing. Based on the available information, we are unable to determine the clinical significance of this variant.

Labcorp Genetics (formerly Invitae), Labcorp
Classification: Likely benign. Last evaluated: 2024-06-24. Review status: criteria provided, single submitter. Criteria: Invitae Variant Classification Sherloc (09022015). Collection method: clinical testing. Allele origin: germline.

Blueprint Genetics
Classification: Likely benign. Last evaluated: 2023-12-07. Review status: criteria provided, single submitter. Criteria: ACMG Guidelines, 2015. Collection method: clinical testing. Allele origin: germline.

Ambry Genetics
Classification: Likely benign. Last evaluated: 2020-11-16. Review status: criteria provided, single submitter. Criteria: Ambry Variant Classification Scheme 2023. Collection method: clinical testing. Allele origin: germline.

PreventionGenetics, part of Exact Sciences
Classification: Likely benign for RECQL-related condition. Last evaluated: 2022-03-20. Review status: no assertion criteria provided. Collection method: clinical testing. Allele origin: germline. Not counted in ClinVar's aggregate classification.
Comment: This variant is classified as likely benign based on ACMG/AMP sequence variant interpretation guidelines (Richards et al. 2015 PMID: 25741868, with internal and published modifications).